The following is an entry in ClinVar:

NM_001244926.2(PRPF4):c.434A>G (p.Lys145Arg)

Gene: PRPF4 (pre-mRNA splicing tri-snRNP complex factor PRPF4; plus strand). Cytogenetic location: 9q32.
Variant type: single nucleotide variant.
Coding change: c.434A>G on transcript NM_001244926.2 (MANE Select); coding-DNA position 434, A replaced by G.
Protein change: p.Lys145Arg; replaces lysine 145 with arginine.
Molecular consequence: missense variant. On other transcripts: 5 prime UTR variant (2), non-coding transcript variant (2).
Genome position (GRCh38, 1-based): chr9:113,282,687, A>G. VCF-style: chr9-113282687-A-G. GRCh37 (hg19) VCF-style: chr9-116044967-A-G.
Other names: c.-332A>G (NM_001322266.2, NM_001322267.2); c.437A>G, p.Lys146Arg (NM_004697.5); short protein forms K145R, K146R.
Identifiers: ClinVar variation 2005711 (VCV002005711.4), dbSNP rs1025086835, ClinGen allele CA198543798.

ClinVar aggregate classification (germline): Uncertain significance (1 of 4 stars; one submission).

Allele frequency attached by ClinVar (database versions not stated): gnomAD exomes below 0.00001; TOPMed below 0.00001.
gnomAD v4.1: 1 of 1,612,406 alleles (0.000062%); highest among the groups gnomAD compares: Admixed American, 0.0017%; no homozygotes.

Submission:

Labcorp Genetics (formerly Invitae), Labcorp
Classification: Uncertain significance. Last evaluated: 2022-08-22. Review status: criteria provided, single submitter. Criteria: Invitae Variant Classification Sherloc (09022015). Collection method: clinical testing. Allele origin: germline.
Comment: In summary, the available evidence is currently insufficient to determine the role of this variant in disease. Therefore, it has been classified as a Variant of Uncertain Significance. Algorithms developed to predict the effect of missense changes on protein structure and function (SIFT, PolyPhen-2, Align-GVGD) all suggest that this variant is likely to be tolerated. This variant has not been reported in the literature in individuals affected with PRPF4-related conditions. This variant is present in population databases (no rsID available, gnomAD 0.003%). This sequence change replaces lysine, which is basic and polar, with arginine, which is basic and polar, at codon 146 of the PRPF4 protein (p.Lys146Arg).